The following is an entry in ClinVar:

ClinVar aggregate classification (germline): Uncertain significance (1 of 4 stars; one submission).

Conditions:
Hereditary spastic paraplegia 31. Also called: SPASTIC PARAPLEGIA 31, AUTOSOMAL DOMINANT. Identifiers: Orphanet 101011, MedGen C1853247, MONDO:0012453, OMIM 610250.

Allele frequency attached by ClinVar (database versions not stated): gnomAD exomes below 0.00001; gnomAD 0.00001; TOPMed 0.00001.
gnomAD v4.1: 3 of 1,613,666 alleles (0.00019%); highest among the groups gnomAD compares: Non-Finnish European, 0.00025%; no homozygotes.

Submission:

Labcorp Genetics (formerly Invitae), Labcorp
Classification: Uncertain significance for Hereditary spastic paraplegia 31. Last evaluated: 2022-09-19. Review status: criteria provided, single submitter. Criteria: Invitae Variant Classification Sherloc (09022015). Collection method: clinical testing. Allele origin: germline.
Comment: In summary, the available evidence is currently insufficient to determine the role of this variant in disease. Therefore, it has been classified as a Variant of Uncertain Significance. Algorithms developed to predict the effect of sequence changes on RNA splicing suggest that this variant may create or strengthen a splice site. Algorithms developed to predict the effect of missense changes on protein structure and function are either unavailable or do not agree on the potential impact of this missense change (SIFT: "Tolerated"; PolyPhen-2: "Possibly Damaging"; Align-GVGD: "Class C0"). ClinVar contains an entry for this variant (Variation ID: 1368771). This variant has not been reported in the literature in individuals affected with REEP1-related conditions. This variant is present in population databases (no rsID available, gnomAD 0.0009%). This sequence change replaces lysine, which is basic and polar, with glutamic acid, which is acidic and polar, at codon 82 of the REEP1 protein (p.Lys82Glu).

NM_001371279.1(REEP1):c.244A>G (p.Lys82Glu)

Gene: REEP1 (receptor accessory protein 1; minus strand). Cytogenetic location: 2p11.2.
Variant type: single nucleotide variant.
Coding change: c.244A>G on transcript NM_001371279.1 (MANE Select); coding-DNA position 244, A replaced by G.
Protein change: p.Lys82Glu; replaces lysine 82 with glutamic acid.
Molecular consequence: missense variant. On other transcripts: intron variant (1).
Genome position (GRCh38, 1-based): chr2:86,254,753, T>C on the plus strand (A>G on the coding strand, the complement: REEP1 is on the minus strand). VCF-style: chr2-86254753-T-C. GRCh37 (hg19) VCF-style: chr2-86481876-T-C.
Other names: c.265A>G, p.Lys89Glu (NM_001164730.2); c.163A>G, p.Lys55Glu (NM_001164731.2); c.244A>G, p.Lys82Glu (NM_001371280.1, NM_022912.3); c.182+9212A>G (NM_001164732.2); short protein forms K89E, K82E, K55E.
Identifiers: ClinVar variation 1368771 (VCV001368771.8), dbSNP rs934249498, ClinGen allele CA51437056.